The following is an entry in ClinVar:

NM_006521.6(TFE3):c.1520G>A (p.Ser507Asn)

Gene: TFE3 (transcription factor binding to IGHM enhancer 3; minus strand). Cytogenetic location: Xp11.23.
Variant type: single nucleotide variant.
Coding change: c.1520G>A on transcript NM_006521.6 (MANE Select); coding-DNA position 1520, G replaced by A.
Protein change: p.Ser507Asn; replaces serine 507 with asparagine.
Molecular consequence: missense variant.
Genome position (GRCh38, 1-based): chrX:49,030,366, C>T on the plus strand (G>A on the coding strand, the complement: TFE3 is on the minus strand). VCF-style: chrX-49030366-C-T. GRCh37 (hg19) VCF-style: chrX-48887877-C-T.
Other names: c.1205G>A, p.Ser402Asn (NM_001282142.2); short protein forms S402N, S507N.
Identifiers: ClinVar variation 3602794 (VCV003602794.1).
Genomic context (GRCh38, chrX:49,030,366, plus strand): 5'-TCCATCAGAATGTCCTCCAGCCCCAGGTGGAAGGGGTCTCCCAGGTCCCCCAGGTGGTCG[C>T]TGGGAAAGTGCAGGTCCAGAAGGGCATCTGAGGGCGGTGCAGGGGGCTGCTGATGGGGAG-3'
Protein context (NP_006512.2, residues 497-517): SDALLDLHFP[Ser507Asn]DHLGDLGDPF

ClinVar aggregate classification (germline): Uncertain significance (1 of 4 stars; one submission).

Submission:

GeneDx
Classification: Uncertain significance. Last evaluated: 2024-08-09. Review status: criteria provided, single submitter. Criteria: GeneDx Variant Classification Process June 2021. Collection method: clinical testing. Allele origin: germline. Affected: yes.
Comment: Not observed at significant frequency in large population cohorts (gnomAD); In silico analysis indicates that this missense variant does not alter protein structure/function; Has not been previously published as pathogenic or benign to our knowledge